The following is an entry in ClinVar:

NM_002227.4(JAK1):c.145C>T (p.Arg49Trp)

Genes: JAK1 (Janus kinase 1; minus strand), LOC129930680 (ATAC-STARR-seq lymphoblastoid active region 1132; plus strand). Cytogenetic location: 1p31.3.
Variant type: single nucleotide variant.
Coding change: c.145C>T on transcript NM_002227.4 (MANE Select); coding-DNA position 145, C replaced by T.
Protein change: p.Arg49Trp; replaces arginine 49 with tryptophan.
Molecular consequence: missense variant.
Genome position (GRCh38, 1-based): chr1:64,883,337, G>A on the plus strand (C>T on the coding strand, the complement: JAK1 is on the minus strand). VCF-style: chr1-64883337-G-A. GRCh37 (hg19) VCF-style: chr1-65349020-G-A.
Other names: c.145C>T, p.Arg49Trp (NM_001320923.2, NM_001321852.2, NM_001321853.2 and 4 more transcripts); c.145C>T (NM_002227.2); short protein forms R49W.
Identifiers: ClinVar variation 1434963 (VCV001434963.9), dbSNP rs754991396, ClinGen allele CA893236.

ClinVar aggregate classification (germline): Uncertain significance. Review status: criteria provided, multiple submitters, no conflicts (2 of 4 stars). 4 submissions from 4 submitters: Uncertain significance (4). Last evaluated 2025-11-01.

Conditions:
Inborn genetic diseases. Identifiers: MedGen C0950123, MeSH D030342.
Autoinflammation, immune dysregulation, and eosinophilia. Also called: ATOPIC DERMATITIS, ENTERITIS, COLITIS, AND EOSINOPHILIA. Identifiers: MedGen C5436572, MONDO:0033558, OMIM 618999.

Allele frequency attached by ClinVar (database versions not stated): gnomAD 0.00001 and 0.00003; gnomAD exomes 0.00003 and 0.00004; TOPMed 0.00005; ExAC 0.00006.
gnomAD v4.1: 51 of 1,614,010 alleles (0.0032%); highest among the groups gnomAD compares: Admixed American, 0.017%; no homozygotes.

Submissions (4):

Labcorp Genetics (formerly Invitae), Labcorp
Classification: Uncertain significance. Last evaluated: 2025-11-01. Review status: criteria provided, single submitter. Criteria: Invitae Variant Classification Sherloc (09022015). Collection method: clinical testing. Allele origin: germline.
Comment: This sequence change replaces arginine, which is basic and polar, with tryptophan, which is neutral and slightly polar, at codon 49 of the JAK1 protein (p.Arg49Trp). This variant is present in population databases (rs754991396, gnomAD 0.02%). This variant has not been reported in the literature in individuals affected with JAK1-related conditions. ClinVar contains an entry for this variant (Variation ID: 1434963). Invitae Evidence Modeling of protein sequence and biophysical properties (such as structural, functional, and spatial information, amino acid conservation, physicochemical variation, residue mobility, and thermodynamic stability) indicates that this missense variant is not expected to disrupt JAK1 protein function with a negative predictive value of 80%. In summary, the available evidence is currently insufficient to determine the role of this variant in disease. Therefore, it has been classified as a Variant of Uncertain Significance.

Ambry Genetics
Classification: Uncertain significance for Inborn genetic diseases. Last evaluated: 2025-04-03. Review status: criteria provided, single submitter. Criteria: Ambry Variant Classification Scheme 2023. Collection method: clinical testing. Allele origin: germline.

Laboratorio de Genetica e Diagnostico Molecular, Hospital Israelita Albert Einstein
Classification: Uncertain significance for Autoinflammation, immune dysregulation, and eosinophilia. Last evaluated: 2024-02-05. Review status: criteria provided, single submitter. Criteria: ACMG Guidelines, 2015. Collection method: clinical testing. Allele origin: germline. Affected: yes.
Comment: ACMG classification criteria: PM2 supporting, PP2 supporting, BP4 supporting

Institute of Human Genetics, University of Leipzig Medical Center
Classification: Uncertain significance for Autoinflammation, immune dysregulation, and eosinophilia. Last evaluated: 2023-07-05. Review status: criteria provided, single submitter. Criteria: ACMG Guidelines, 2015. Collection method: clinical testing. Allele origin: unknown. Inheritance: Autosomal dominant inheritance. Affected: yes.